The following is an entry in ClinVar:

NM_001008537.3(NEXMIF):c.203C>T (p.Pro68Leu)

Gene: NEXMIF (neurite extension and migration factor; minus strand). Cytogenetic location: Xq13.3.
Variant type: single nucleotide variant.
Coding change: c.203C>T on transcript NM_001008537.3 (MANE Select); coding-DNA position 203, C replaced by T.
Protein change: p.Pro68Leu; replaces proline 68 with leucine.
Molecular consequence: missense variant.
Genome position (GRCh38, 1-based): chrX:74,744,354, G>A on the plus strand (C>T on the coding strand, the complement: NEXMIF is on the minus strand). VCF-style: chrX-74744354-G-A. GRCh37 (hg19) VCF-style: chrX-73964189-G-A.
Other names: short protein forms P68L.
Identifiers: ClinVar variation 3362260 (VCV003362260.3).

ClinVar aggregate classification (germline): Uncertain significance (1 of 4 stars; one submission).

Conditions:
X-linked intellectual disability, Cantagrel type (XLID98). Also called: INTELLECTUAL DEVELOPMENTAL DISORDER, X-LINKED 98. Identifiers: Orphanet 85277, MedGen C3806730, MONDO:0010483, OMIM 300912.

Submission:

Neuberg Centre For Genomic Medicine, NCGM
Classification: Uncertain significance for X-linked intellectual disability, Cantagrel type. Last evaluated: 2023-05-20. Review status: criteria provided, single submitter. Criteria: ACMG Guidelines, 2015. Collection method: clinical testing. Allele origin: germline. Inheritance: X-linked dominant inheritance. Affected: yes.
Comment: The missense c.203C>T (p.Pro68Leu) variant in the NEXMIF gene has not been reported previously as a pathogenic variant nor as a benign variant, to our knowledge. This variant is absent in the gnomAD Exomes. The amino acid Proline at position 68 is changed to a Leucine changing protein sequence and it might alter its composition and physico-chemical properties. Computational evidence (Polyphen - Benign, SIFT - Damaging and MutationTaster - Polymorphism) predicts conflicting evidence on protein structure and function for this variant. The amino acid Proline in NEXMIF is predicted as conserved by GERP++ and PhyloP across 100 vertebrates. For these reasons, this variant has been classified as Uncertain Significance.